The following is an entry in ClinVar:

NM_006950.3(SYN1):c.1707C>T (p.Val569=)

Gene: SYN1 (synapsin I; minus strand). Cytogenetic location: Xp11.3.
Variant type: single nucleotide variant.
Coding change: c.1707C>T on transcript NM_006950.3 (MANE Select); coding-DNA position 1707, C replaced by T.
Protein change: p.Val569=; no amino-acid change (valine 569 retained).
Molecular consequence: synonymous variant.
Genome position (GRCh38, 1-based): chrX:47,574,277, G>A on the plus strand (C>T on the coding strand, the complement: SYN1 is on the minus strand). VCF-style: chrX-47574277-G-A. GRCh37 (hg19) VCF-style: chrX-47433676-G-A.
Other names: c.1707C>T, p.Val569= (NM_133499.2).
Identifiers: ClinVar variation 3054210 (VCV003054210.2), dbSNP rs1033238239, ClinGen allele CA329057236.

ClinVar aggregate classification (germline): Likely benign (0 of 4 stars; one submission).

Conditions:
SYN1-related disorder. Also called: SYN1-related condition; SYN1-Related Disorders.

Allele frequency attached by ClinVar (database versions not stated): gnomAD 0.00001; TOPMed 0.00002.
gnomAD v4.1: 1 of 1,104,299 alleles (0.000091%); highest among the groups gnomAD compares: African/African-American, 0.0019%; no homozygotes.

Submission:

PreventionGenetics, part of Exact Sciences
Classification: Likely benign for SYN1-related condition. Last evaluated: 2020-03-30. Review status: no assertion criteria provided. Collection method: clinical testing. Allele origin: germline.
Comment: This variant is classified as likely benign based on ACMG/AMP sequence variant interpretation guidelines (Richards et al. 2015 PMID: 25741868, with internal and published modifications).